The following is an entry in ClinVar:

ClinVar aggregate classification (germline): Pathogenic/Likely pathogenic. Review status: criteria provided, multiple submitters, no conflicts (2 of 4 stars). 2 submissions from 2 submitters: Pathogenic (1); Likely pathogenic (1). Last evaluated 2022-02-19.

Conditions:
Medium-chain acyl-coenzyme A dehydrogenase deficiency (ACADMD). Also called: ACADM DEFICIENCY; MCADH DEFICIENCY; MCAD Deficiency; MCADD; CARNITINE DEFICIENCY SECONDARY TO MEDIUM-CHAIN ACYL-CoA DEHYDROGENASE DEFICIENCY; Medium chain acyl-CoA dehydrogenase deficiency. Identifiers: Orphanet 42, MedGen C0220710, MONDO:0008721, OMIM 201450.

Submissions (2):

Myriad Genetics, Inc.
Classification: Likely pathogenic for Medium-chain acyl-coenzyme A dehydrogenase deficiency. Last evaluated: 2022-02-19. Review status: criteria provided, single submitter. Criteria: Myriad Women's Health Autosomal Recessive and X-Linked Classification Criteria (2021). Collection method: clinical testing. Allele origin: unknown.
Comment: NM_000016.4(ACADM):c.599G>A(W200*) is expected to be pathogenic in the context of medium chain acyl-CoA dehydrogenase deficiency. This variant is predicted to lead to an abnormal or absent protein product due to the creation of a premature termination codon in ACADM, a gene where loss-of-function variants are known to be pathogenic. Please note: this variant was assessed in the context of healthy population screening.

Labcorp Genetics (formerly Invitae), Labcorp
Classification: Pathogenic for Medium-chain acyl-coenzyme A dehydrogenase deficiency. Last evaluated: 2022-02-01. Review status: criteria provided, single submitter. Criteria: Invitae Variant Classification Sherloc (09022015). Collection method: clinical testing. Allele origin: germline.
Comment: For these reasons, this variant has been classified as Pathogenic. Variants that disrupt the consensus splice site are a relatively common cause of aberrant splicing (PMID: 17576681, 9536098). Algorithms developed to predict the effect of sequence changes on RNA splicing suggest that this variant may disrupt the consensus splice site. This variant has not been reported in the literature in individuals affected with ACADM-related conditions. This variant is not present in population databases (gnomAD no frequency). This sequence change creates a premature translational stop signal (p.Trp200*) in the ACADM gene. It is expected to result in an absent or disrupted protein product. Loss-of-function variants in ACADM are known to be pathogenic (PMID: 16121256, 20434380).

Literature cited by the submitters: PubMed 17576681 (cited by Labcorp Genetics (formerly Invitae), Labcorp); PubMed 9536098 (cited by Labcorp Genetics (formerly Invitae), Labcorp); PubMed 16121256 (cited by Labcorp Genetics (formerly Invitae), Labcorp); PubMed 20434380 (cited by Labcorp Genetics (formerly Invitae), Labcorp).

NM_000016.6(ACADM):c.599G>A (p.Trp200Ter)

Gene: ACADM (acyl-CoA dehydrogenase medium chain; plus strand). Cytogenetic location: 1p31.1.
Variant type: single nucleotide variant.
Coding change: c.599G>A on transcript NM_000016.6 (MANE Select); coding-DNA position 599, G replaced by A.
Protein change: p.Trp200Ter; replaces tryptophan 200 with a stop codon.
Molecular consequence: nonsense.
Genome position (GRCh38, 1-based): chr1:75,740,110, G>A. VCF-style: chr1-75740110-G-A. GRCh37 (hg19) VCF-style: chr1-76205795-G-A.
Other names: c.611G>A, p.Trp204Ter (NM_001127328.3); c.491G>A, p.Trp164Ter (NM_001286042.2); c.698G>A, p.Trp233Ter (NM_001286043.2); c.32G>A, p.Trp11Ter (NM_001286044.2); short protein forms W11*, W164*, W200*, W204*, W233*.
Identifiers: ClinVar variation 1724340 (VCV001724340.7), dbSNP rs2525609535, ClinGen allele CA340815484.